The following is an entry in ClinVar:

NM_000550.3(TYRP1):c.368A>T (p.Asp123Val)

Gene: TYRP1 (tyrosinase related protein 1; plus strand). Cytogenetic location: 9p23.
Variant type: single nucleotide variant.
Coding change: c.368A>T on transcript NM_000550.3 (MANE Select); coding-DNA position 368, A replaced by T.
Protein change: p.Asp123Val; replaces aspartic acid 123 with valine.
Molecular consequence: missense variant.
Genome position (GRCh38, 1-based): chr9:12,694,364, A>T. VCF-style: chr9-12694364-A-T. GRCh37 (hg19) VCF-style: chr9-12694364-A-T.
Other names: short protein forms D123V.
Identifiers: ClinVar variation 1502563 (VCV001502563.4), dbSNP rs146962444, ClinGen allele CA4985180.

ClinVar aggregate classification (germline): Uncertain significance (1 of 4 stars; one submission).

Allele frequency attached by ClinVar (database versions not stated): gnomAD exomes 0.00001 and 0.00004; ExAC 0.00005; TOPMed 0.00017; gnomAD 0.00019 and 0.00020; ESP Exome Variant Server 0.00023; 1000 Genomes Project 30x 0.00047; 1000 Genomes Project 0.00060.
gnomAD v4.1: 45 of 1,614,008 alleles (0.0028%); highest among the groups gnomAD compares: African/African-American, 0.06%; no homozygotes.

Submission:

Labcorp Genetics (formerly Invitae), Labcorp
Classification: Uncertain significance. Last evaluated: 2022-08-15. Review status: criteria provided, single submitter. Criteria: Invitae Variant Classification Sherloc (09022015). Collection method: clinical testing. Allele origin: germline.
Comment: This sequence change replaces aspartic acid, which is acidic and polar, with valine, which is neutral and non-polar, at codon 123 of the TYRP1 protein (p.Asp123Val). This variant is present in population databases (rs146962444, gnomAD 0.08%). This variant has not been reported in the literature in individuals affected with TYRP1-related conditions. ClinVar contains an entry for this variant (Variation ID: 1502563). Algorithms developed to predict the effect of missense changes on protein structure and function are either unavailable or do not agree on the potential impact of this missense change (SIFT: "Deleterious"; PolyPhen-2: "Benign"; Align-GVGD: "Class C0"). In summary, the available evidence is currently insufficient to determine the role of this variant in disease. Therefore, it has been classified as a Variant of Uncertain Significance.